The following is an entry in ClinVar:

ClinVar aggregate classification (germline): Conflicting classifications of pathogenicity. Review status: criteria provided, conflicting classifications (1 of 4 stars). 2 submissions from 2 submitters: Uncertain significance (1); Likely benign (1). Last evaluated 2024-08-06.

Conditions:
Hereditary cancer-predisposing syndrome. Also called: Tumor predisposition; Hereditary Cancer Syndrome; Hereditary neoplastic syndrome; Neoplastic Syndromes, Hereditary. Identifiers: Orphanet 140162, MedGen C0027672, MeSH D009386, MONDO:0015356.
Familial cancer of breast. Also called: hereditary breast carcinoma; Hereditary breast cancer; BREAST CANCER, FAMILIAL. Identifiers: Orphanet 227535, MedGen C0346153, MONDO:0016419, OMIM 114480. Disease mechanism: loss of function.

Submissions (2):

Ambry Genetics
Classification: Likely benign for Hereditary cancer-predisposing syndrome. Last evaluated: 2024-08-06. Review status: criteria provided, single submitter. Criteria: Ambry Variant Classification Scheme 2023. Collection method: clinical testing. Allele origin: germline.

Labcorp Genetics (formerly Invitae), Labcorp
Classification: Uncertain significance for Familial cancer of breast. Last evaluated: 2024-05-14. Review status: criteria provided, single submitter. Criteria: Invitae Variant Classification Sherloc (09022015). Collection method: clinical testing. Allele origin: germline.
Comment: This sequence change replaces lysine, which is basic and polar, with arginine, which is basic and polar, at codon 492 of the CHEK2 protein (p.Lys492Arg). This variant is not present in population databases (gnomAD no frequency). This variant has not been reported in the literature in individuals affected with CHEK2-related conditions. ClinVar contains an entry for this variant (Variation ID: 1478392). Algorithms developed to predict the effect of missense changes on protein structure and function output the following: SIFT: "Not Available"; PolyPhen-2: "Benign"; Align-GVGD: "Not Available". The arginine amino acid residue is found in multiple mammalian species, which suggests that this missense change does not adversely affect protein function. In summary, the available evidence is currently insufficient to determine the role of this variant in disease. Therefore, it has been classified as a Variant of Uncertain Significance.

NM_007194.4(CHEK2):c.1475A>G (p.Lys492Arg)

Gene: CHEK2 (checkpoint kinase 2; minus strand). Cytogenetic location: 22q12.1.
Variant type: single nucleotide variant.
Coding change: c.1475A>G on transcript NM_007194.4 (MANE Select); coding-DNA position 1475, A replaced by G.
Protein change: p.Lys492Arg; replaces lysine 492 with arginine.
Molecular consequence: missense variant.
Genome position (GRCh38, 1-based): chr22:28,689,202, T>C on the plus strand (A>G on the coding strand, the complement: CHEK2 is on the minus strand). VCF-style: chr22-28689202-T-C. GRCh37 (hg19) VCF-style: chr22-29085190-T-C.
Other names: c.1604A>G, p.Lys535Arg (NM_001005735.3); c.812A>G, p.Lys271Arg (NM_001257387.3); c.1274A>G, p.Lys425Arg (NM_001349956.3); c.1388A>G, p.Lys463Arg (NM_145862.3); short protein forms K463R, K492R, K535R, K425R, K271R.
Identifiers: ClinVar variation 1478392 (VCV001478392.10), dbSNP rs2145750566, ClinGen allele CA411092650.